The following is an entry in ClinVar:

NM_014850.4(SRGAP3):c.700C>T (p.Leu234=)

Gene: SRGAP3 (SLIT-ROBO Rho GTPase activating protein 3; minus strand). Cytogenetic location: 3p25.3.
Variant type: single nucleotide variant.
Coding change: c.700C>T on transcript NM_014850.4 (MANE Select); coding-DNA position 700, C replaced by T.
Protein change: p.Leu234=; no amino-acid change (leucine 234 retained).
Molecular consequence: synonymous variant.
Genome position (GRCh38, 1-based): chr3:9,060,332, G>A on the plus strand (C>T on the coding strand, the complement: SRGAP3 is on the minus strand). VCF-style: chr3-9060332-G-A. GRCh37 (hg19) VCF-style: chr3-9102016-G-A.
Other names: c.700C>T, p.Leu234= (NM_001033117.3).
Identifiers: ClinVar variation 785999 (VCV000785999.7), dbSNP rs35952589, ClinGen allele CA2238085.

ClinVar aggregate classification (germline): Benign. Review status: criteria provided, multiple submitters, no conflicts (2 of 4 stars). 3 submissions from 3 submitters: Benign (2). 1 of the submissions does not count toward it. Last evaluated 2019-12-31.

Conditions:
SRGAP3-related disorder. Also called: SRGAP3-related condition.

Allele frequency attached by ClinVar (database versions not stated): gnomAD 0.01295 and 0.01412; gnomAD exomes 0.00133 and 0.00342; TOPMed 0.01513; ESP Exome Variant Server 0.01576; ExAC 0.00431; 1000 Genomes Project 0.01358; 1000 Genomes Project 30x 0.01546.
gnomAD v4.1: 4,015 of 1,613,862 alleles (0.25%); highest among the groups gnomAD compares: African/African-American, 4.6%; 89 homozygotes.

Submissions (3):

Labcorp Genetics (formerly Invitae), Labcorp
Classification: Benign. Last evaluated: 2019-12-31. Review status: criteria provided, single submitter. Criteria: Invitae Variant Classification Sherloc (09022015). Collection method: clinical testing. Allele origin: germline.

Breakthrough Genomics
Classification: Benign. Review status: criteria provided, single submitter. Criteria: ACMG Guidelines, 2015. Collection method: not provided. Allele origin: germline. Inheritance: Unknown mechanism. Affected: yes.

PreventionGenetics, part of Exact Sciences
Classification: Benign for SRGAP3-related condition. Last evaluated: 2019-04-01. Review status: no assertion criteria provided. Collection method: clinical testing. Allele origin: germline. Not counted in ClinVar's aggregate classification.
Comment: This variant is classified as benign based on ACMG/AMP sequence variant interpretation guidelines (Richards et al. 2015 PMID: 25741868, with internal and published modifications).